The following is an entry in ClinVar:

ClinVar aggregate classification (germline): Uncertain significance (1 of 4 stars; one submission).

Conditions:
Cystic fibrosis (CF). Also called: MUCOVISCIDOSIS. Identifiers: Orphanet 586, MedGen C0010674, MONDO:0009061, OMIM 219700. Disease mechanism: loss of function.

gnomAD v4.1: 3 of 1,583,968 alleles (0.00019%); highest among the groups gnomAD compares: Admixed American, 0.0018%; no homozygotes.

Submission:

Ambry Genetics
Classification: Uncertain significance for Cystic fibrosis. Last evaluated: 2022-11-30. Review status: criteria provided, single submitter. Criteria: Ambry Variant Classification Scheme 2023. Collection method: clinical testing. Allele origin: germline.
Comment: The p.R766T variant (also known as c.2297G>C), located in coding exon 14 of the CFTR gene, results from a G to C substitution at nucleotide position 2297. The arginine at codon 766 is replaced by threonine, an amino acid with similar properties. This amino acid position is conserved. In addition, this alteration is predicted to be deleterious by in silico analysis. Since supporting evidence is limited at this time, the clinical significance of this alteration remains unclear.

NM_000492.4(CFTR):c.2297G>C (p.Arg766Thr)

Gene: CFTR (CF transmembrane conductance regulator; plus strand). Cytogenetic location: 7q31.2.
Variant type: single nucleotide variant.
Coding change: c.2297G>C on transcript NM_000492.4 (MANE Select); coding-DNA position 2297, G replaced by C.
Protein change: p.Arg766Thr; replaces arginine 766 with threonine.
Molecular consequence: missense variant.
Genome position (GRCh38, 1-based): chr7:117,592,464, G>C. VCF-style: chr7-117592464-G-C. GRCh37 (hg19) VCF-style: chr7-117232518-G-C.
Other names: short protein forms R766T.
Identifiers: ClinVar variation 2453621 (VCV002453621.2), dbSNP rs397508363, ClinGen allele CA368980900.